The following is an entry in ClinVar:

ClinVar aggregate classification (germline): Likely pathogenic. Review status: reviewed by expert panel (3 of 4 stars). 14 submissions from 14 submitters: Likely pathogenic (1). 13 of the submissions do not count toward it. Last evaluated 2026-04-20.

Conditions:
RYR1-related disorder. Also called: RYR1-related disorders; RYR1-related condition. Identifiers: MedGen CN239331.
Inborn genetic diseases. Identifiers: MedGen C0950123, MeSH D030342.
King Denborough syndrome (KDS). Identifiers: MedGen C1840365, MONDO:0020485, OMIM 619542.
Central core myopathy (CMYO1A). Also called: CONGENITAL MYOPATHY 1A, AUTOSOMAL DOMINANT, WITH SUSCEPTIBILITY TO MALIGNANT HYPERTHERMIA; Central core disease; Myopathy, central fibrillar. Identifiers: Orphanet 597, MedGen C5830701, MONDO:0007294, OMIM 117000.
Malignant hyperthermia, susceptibility to, 1 (MHS1). Also called: Anesthesia related hyperthermia; Malignant hyperpyrexia; Fulminating hyperpyrexia; Pharmacogenic myopathy; Malignant hyperthermia suceptibility 1; RYR1-Related Malignant Hyperthermia Susceptibility. Identifiers: Orphanet 423, MedGen C2930980, MONDO:0007783, OMIM 145600.
Congenital myopathy with fiber type disproportion. Also called: Congenital fiber-type disproportion; Congenital fiber-type disproportion myopathy. Identifiers: Orphanet 2020, MedGen C0546264, MONDO:0009711. Inheritance: all.
Abnormality of the musculature. Identifiers: MedGen C4021745, HP:0003011.

Allele frequency attached by ClinVar (database versions not stated): gnomAD exomes below 0.00001.
gnomAD v4.1: 1 of 1,614,048 alleles (0.000062%); highest among the groups gnomAD compares: Non-Finnish European, 0.000085%; no homozygotes.

Submissions (14):

ClinGen Malignant Hyperthermia Susceptibility Variant Curation Expert Panel, ClinGen
Classification: Likely pathogenic for Malignant hyperthermia, susceptibility to, 1. Last evaluated: 2026-04-20. Review status: reviewed by expert panel. Criteria: ClinGen MHS ACMG Specifications V2. Collection method: curation. Allele origin: germline. Inheritance: Autosomal dominant inheritance.
Comment: This pathogenicity assessment is relevant only for malignant hyperthermia susceptibility (MHS) inherited in an autosomal dominant pattern. Variants in RYR1 can also cause other myopathies inherited in an autosomal dominant pattern or in an autosomal recessive pattern. Some of these disorders may predispose individuals to malignant hyperthermia. RYR1 variants may also contribute to a malignant hyperthermia reaction in combination with other genetic and non-genetic factors and the clinician needs to consider such factors in making management decisions. This sequence variant predicts a substitution of arginine with cysteine at codon 2508 of the RYR1 protein, p.(Arg2508Cys). This variant was not present in a large population database (gnomAD) at the time this variant was interpreted. This variant has been reported in five unrelated individuals who have a personal or family history of a malignant hyperthermia reaction, one of these individuals had a positive in vitro contracture test (IVCT) or caffeine halothane contracture test (CHCT) result (if the proband was unavailable for testing, a positive diagnostic test result in a mutation-positive relative was counted), PS4_Moderate (PMID: 30236257, 16732084, 21157159, 27918309). A functional study in HEK293 cells shows an increased sensitivity to RYR1 agonists, (PMID: 27586648). As well, a knock-in mouse model supports pathogenicity of this variant demonstrating a malignant hyperthermia reaction in response to agonist, PS3_Strong (PMID:34257294). This variant does not reside in a hotspot for pathogenic variants that contribute to MHS. Another variant assessed as likely pathogenic occurs at this codon, p.(Arg2508His), PM5_Supporting. A REVEL score >0.85 (0.861) supports a pathogenic status for this variant, PP3_Moderate. This variant has been classified as Likely Pathogenic. Criteria implemented: PS3_Strong, PS4_Moderate, PM5_Supporting, PP3_Moderate.

Labcorp Genetics (formerly Invitae), Labcorp
Classification: Pathogenic for RYR1-related disorder. Last evaluated: 2024-03-29. Review status: criteria provided, single submitter. Criteria: Invitae Variant Classification Sherloc (09022015). Collection method: clinical testing. Allele origin: germline. Not counted in ClinVar's aggregate classification.
Comment: This sequence change replaces arginine, which is basic and polar, with cysteine, which is neutral and slightly polar, at codon 2508 of the RYR1 protein (p.Arg2508Cys). This variant is not present in population databases (gnomAD no frequency). This missense change has been observed in individuals with autosomal dominant malignant hyperthermia susceptibility and/or central core disease (PMID: 16621918, 16732084, 19685112, 21157159, 25747005). ClinVar contains an entry for this variant (Variation ID: 65981). Advanced modeling of protein sequence and biophysical properties (such as structural, functional, and spatial information, amino acid conservation, physicochemical variation, residue mobility, and thermodynamic stability) performed at Invitae indicates that this missense variant is expected to disrupt RYR1 protein function with a positive predictive value of 95%. Experimental studies have shown that this missense change affects RYR1 function (PMID: 19685112, 26381711). This variant disrupts the p.Arg2508 amino acid residue in RYR1. Other variant(s) that disrupt this residue have been determined to be pathogenic (PMID: 16621918, 16732084, 20142353, 26381711). This suggests that this residue is clinically significant, and that variants that disrupt this residue are likely to be disease-causing. For these reasons, this variant has been classified as Pathogenic.

Blueprint Genetics
Classification: Pathogenic for RYR1-related disorders. Last evaluated: 2023-09-25. Review status: criteria provided, single submitter. Criteria: ACMG Guidelines, 2015. Collection method: clinical testing. Allele origin: germline. Affected: yes. Observed: 1 variant allele. Not counted in ClinVar's aggregate classification.

Institute of Human Genetics, Heidelberg University
Classification: Likely pathogenic for Central core myopathy. Last evaluated: 2022-07-04. Review status: criteria provided, single submitter. Criteria: ACMG Guidelines, 2015. Collection method: clinical testing. Allele origin: germline. Affected: yes. Not counted in ClinVar's aggregate classification.

Kariminejad - Najmabadi Pathology & Genetics Center
Classification: Likely pathogenic for Abnormality of the musculature. Last evaluated: 2021-07-10. Review status: criteria provided, single submitter. Criteria: ACMG Guidelines, 2015. Collection method: clinical testing. Allele origin: germline. Affected: yes. Not counted in ClinVar's aggregate classification.

Centre for Mendelian Genomics, University Medical Centre Ljubljana
Classification: Likely pathogenic for Congenital myopathy 4A, autosomal dominant. Last evaluated: 2020-03-20. Review status: criteria provided, single submitter. Criteria: ACMG Guidelines, 2015. Collection method: clinical testing. Allele origin: unknown. Affected: yes. Not counted in ClinVar's aggregate classification.
Comment: This variant was classified as: Likely pathogenic. The following ACMG criteria were applied in classifying this variant: PS3,PM2,PM5,PP2,PP3,PS4_MOD.

CeGaT Center for Human Genetics Tuebingen
Classification: Pathogenic. Last evaluated: 2019-10-01. Review status: criteria provided, single submitter. Criteria: CeGaT Center For Human Genetics Tuebingen Variant Classification Criteria Version 2. Collection method: clinical testing. Allele origin: germline. Affected: yes. Observed: 2 variant alleles. Not counted in ClinVar's aggregate classification.

Ambry Genetics
Classification: Pathogenic for Hereditary disease. Last evaluated: 2016-09-30. Review status: criteria provided, single submitter. Criteria: ambry_reporting_categories_2017. Collection method: clinical testing. Allele origin: germline. Affected: yes. Observed: 1 heterozygote. Segregation with disease observed. Not counted in ClinVar's aggregate classification.
Comment: Lines of evidence used in support of classification: POSITIVE: Relevant Alteration(s) Detected

Eurofins Ntd Llc (ga)
Classification: Likely pathogenic. Last evaluated: 2015-04-30. Review status: criteria provided, single submitter. Criteria: EGL Classification Definitions 2015. Collection method: clinical testing. Allele origin: germline. Observed: 1 variant allele, 1 heterozygote. Not counted in ClinVar's aggregate classification.

PreventionGenetics, part of Exact Sciences
Classification: Pathogenic. Last evaluated: 2013-11-21. Review status: criteria provided, single submitter. Criteria: ACMG Guidelines, 2015. Collection method: clinical testing. Allele origin: germline. Not counted in ClinVar's aggregate classification.

Juno Genomics, Hangzhou Juno Genomics, Inc
Classification: Likely pathogenic for Malignant hyperthermia, susceptibility to, 1. Review status: criteria provided, single submitter. Criteria: ACMG Guidelines, 2015. Collection method: clinical testing. Allele origin: germline. Affected: yes. Not counted in ClinVar's aggregate classification.
Comment: Well-established in vitro or in vivo functional studies supportive of a damaging effect on the gene or gene product.;The prevalence of the variant in affected individuals is significantly increased compared to the prevalence in controls.;Novel missense change at an amino acid residue where a different missense change determined to be pathogenic has been seen before.

OMIM
Classification: Pathogenic for KING-DENBOROUGH SYNDROME. Last evaluated: 2021-10-11. Review status: no assertion criteria provided. Collection method: literature only. Allele origin: germline. Not counted in ClinVar's aggregate classification.

GeneReviews
Classification: Pathogenic for Central Core Disease. Last evaluated: 2010-05-11. Review status: no assertion criteria provided. Collection method: curation. Allele origin: unknown. Not counted in ClinVar's aggregate classification.
ClinVar note: Converted during submission from pathologic to Pathogenic.

RYR1 database
No classification provided. Review status: no classification provided. Collection method: not provided. Allele origin: unknown. Not counted in ClinVar's aggregate classification.

Literature cited by the submitters: PubMed 16621918 (cited by Labcorp Genetics (formerly Invitae), Labcorp); PubMed 16732084 (cited by Labcorp Genetics (formerly Invitae), Labcorp); PubMed 19685112 (cited by Labcorp Genetics (formerly Invitae), Labcorp); PubMed 21157159 (cited by Labcorp Genetics (formerly Invitae), Labcorp); PubMed 25747005 (cited by Labcorp Genetics (formerly Invitae), Labcorp); PubMed 26381711 (cited by Labcorp Genetics (formerly Invitae), Labcorp); PubMed 20142353 (cited by Labcorp Genetics (formerly Invitae), Labcorp); PubMed 16917943 (cited by Ambry Genetics); PubMed 23919265 (cited by Ambry Genetics); PubMed 23553484 (cited by Ambry Genetics); PubMed 8661021 (cited by Ambry Genetics); PubMed 20839240 (cited by Ambry Genetics); PubMed 4149045 (cited by Ambry Genetics); PubMed 18765655 (cited by Ambry Genetics); PubMed 16163667 (cited by Ambry Genetics); PubMed 20583297 (cited by Ambry Genetics); PubMed 23394784 (cited by Ambry Genetics); PubMed 16380615 (cited by Ambry Genetics); PubMed 9199552 (cited by Ambry Genetics); PubMed 27918309 (cited by OMIM).

NM_000540.3(RYR1):c.7522C>T (p.Arg2508Cys)

Gene: RYR1 (ryanodine receptor 1; plus strand). Cytogenetic location: 19q13.2.
Variant type: single nucleotide variant.
Coding change: c.7522C>T on transcript NM_000540.3 (MANE Select); coding-DNA position 7522, C replaced by T.
Protein change: p.Arg2508Cys; replaces arginine 2508 with cysteine.
Molecular consequence: missense variant.
Genome position (GRCh38, 1-based): chr19:38,500,898, C>T. VCF-style: chr19-38500898-C-T. GRCh37 (hg19) VCF-style: chr19-38991538-C-T.
Other names: NM_000540.2(RYR1):c.7522C>T; c.7522C>T, p.Arg2508Cys (NM_001042723.2); short protein forms R2508C.
Identifiers: ClinVar variation 65981 (VCV000065981.84), dbSNP rs118192178, ClinGen allele CA024819.